The following is an entry in ClinVar:

NM_000540.3(RYR1):c.1576+6G>A

Gene: RYR1 (ryanodine receptor 1; plus strand). Cytogenetic location: 19q13.2.
Variant type: single nucleotide variant.
Coding change: c.1576+6G>A on transcript NM_000540.3 (MANE Select); 6 bases into the intron after coding-DNA position 1576, G replaced by A.
Molecular consequence: intron variant.
Genome position (GRCh38, 1-based): chr19:38,455,376, G>A. VCF-style: chr19-38455376-G-A. GRCh37 (hg19) VCF-style: chr19-38946016-G-A.
Other names: c.1576+6G>A (NM_001042723.2).
Identifiers: ClinVar variation 256459 (VCV000256459.14), dbSNP rs886038324, ClinGen allele CA10587303.

ClinVar aggregate classification (germline): Likely benign. Review status: criteria provided, multiple submitters, no conflicts (2 of 4 stars). 4 submissions from 4 submitters: Likely benign (4). Last evaluated 2025-07-13.

Conditions:
RYR1-related disorder. Also called: RYR1-related condition; RYR1-related disorders. Identifiers: MedGen CN239331.
Malignant hyperthermia, susceptibility to, 1 (MHS1). Also called: RYR1-Related Malignant Hyperthermia Susceptibility; Anesthesia related hyperthermia; Malignant hyperpyrexia; Fulminating hyperpyrexia; Pharmacogenic myopathy; Malignant hyperthermia suceptibility 1. Identifiers: Orphanet 423, MedGen C2930980, MONDO:0007783, OMIM 145600.

Allele frequency attached by ClinVar (database versions not stated): gnomAD exomes below 0.00001; gnomAD 0.00001.
gnomAD v4.1: 5 of 1,613,914 alleles (0.00031%); highest among the groups gnomAD compares: Non-Finnish European, 0.00034%; no homozygotes.

Submissions (4):

Labcorp Genetics (formerly Invitae), Labcorp
Classification: Likely benign for RYR1-related disorder. Last evaluated: 2025-07-13. Review status: criteria provided, single submitter. Criteria: Invitae Variant Classification Sherloc (09022015). Collection method: clinical testing. Allele origin: germline.

All of Us Research Program, National Institutes of Health
Classification: Likely benign for Malignant hyperthermia, susceptibility to, 1. Last evaluated: 2023-10-02. Review status: criteria provided, single submitter. Criteria: ACMG Guidelines, 2015. Collection method: clinical testing. Allele origin: germline. Inheritance: Autosomal dominant inheritance. Observed: 1 variant allele, 1 heterozygote.
Comment: This study involves interpretation of variants in research participants for the purpose of population health screening. Participant phenotype was not available at the time of variant classification. Additional details can be found in publication PMID: 35346344, PMCID: PMC8962531

Color Diagnostics, LLC DBA Color Health
Classification: Likely benign for Malignant hyperthermia, susceptibility to, 1. Last evaluated: 2023-09-21. Review status: criteria provided, single submitter. Criteria: ACMG Guidelines, 2015. Collection method: clinical testing. Allele origin: germline.

PreventionGenetics, part of Exact Sciences
Classification: Likely benign. Review status: criteria provided, single submitter. Criteria: ACMG Guidelines, 2015. Collection method: clinical testing. Allele origin: germline.